The following is an entry in ClinVar:

ClinVar aggregate classification (germline): Uncertain significance (1 of 4 stars; one submission).

Conditions:
Hypertrophic cardiomyopathy. Also called: HYPERTROPHIC MYOCARDIOPATHY. Identifiers: Orphanet 217569, MedGen C0007194, MeSH D002312, MONDO:0005045, HP:0001639.

Submission:

Labcorp Genetics (formerly Invitae), Labcorp
Classification: Uncertain significance for Hypertrophic cardiomyopathy. Last evaluated: 2023-11-15. Review status: criteria provided, single submitter. Criteria: Invitae Variant Classification Sherloc (09022015). Collection method: clinical testing. Allele origin: germline.
Comment: This variant results in a copy number gain of the genomic region encompassing exon(s) 26-34 of the MYBPC3 gene. This region includes the termination codon of the gene. This copy number gain extends beyond the assayed region for this gene and therefore may encompass additional genes. As the precise location of this event is unknown, it may be in tandem or it may be located elsewhere in the genome. This variant has not been reported in the literature in individuals affected with MYBPC3-related conditions. Experimental studies and prediction algorithms are not available or were not evaluated, and the functional significance of this variant is currently unknown. In summary, the available evidence is currently insufficient to determine the role of this variant in disease. Therefore, it has been classified as a Variant of Uncertain Significance.

NC_000011.9:g.(?_47353422)_(47357582_?)dup

Gene: MYBPC3 (myosin binding protein C3; minus strand). Cytogenetic location: 11p11.2.
Variant type: Duplication.
Identifiers: ClinVar variation 1514949 (VCV001514949.4).